The following is an entry in ClinVar:

NM_001031710.3(KLHL7):c.-231G>C

Gene: KLHL7 (kelch like family member 7; plus strand). Cytogenetic location: 7p15.3.
Variant type: single nucleotide variant.
Coding change: c.-231G>C on transcript NM_001031710.3 (MANE Select); 231 bases upstream of the start codon, G replaced by C.
Molecular consequence: 5 prime UTR variant. On other transcripts: non-coding transcript variant (2).
Genome position (GRCh38, 1-based): chr7:23,105,796, G>C. VCF-style: chr7-23105796-G-C. GRCh37 (hg19) VCF-style: chr7-23145415-G-C.
Other names: c.-231G>C (NM_001172428.2).
Identifiers: ClinVar variation 359791 (VCV000359791.5), dbSNP rs556626844, ClinGen allele CA4186181.

ClinVar aggregate classification (germline): Likely benign (1 of 4 stars; one submission).

Conditions:
Retinitis pigmentosa (RP). Identifiers: Orphanet 791, MedGen C0035334, MeSH D012174, MONDO:0019200, OMIM 268000. Inheritance: Autosomal dominant, autosomal recessive and X linked inheritance.

Allele frequency attached by ClinVar (database versions not stated): gnomAD 0.00014 and 0.00017; TOPMed 0.00017; 1000 Genomes Project 30x 0.00047; 1000 Genomes Project 0.00060; ExAC 0.00667.
gnomAD v4.1: 110 of 576,590 alleles (0.019%); highest among the groups gnomAD compares: South Asian, 0.061%; 1 homozygote.

Submission:

Illumina Laboratory Services, Illumina
Classification: Likely benign for Retinitis pigmentosa. Last evaluated: 2018-01-12. Review status: criteria provided, single submitter. Criteria: ICSL Variant Classification Criteria 13 December 2019. Collection method: clinical testing. Allele origin: germline.
Comment: This variant was observed in the ICSL laboratory as part of a predisposition screen in an ostensibly healthy population. It had not been previously curated by ICSL or reported in the Human Gene Mutation Database (HGMD: prior to June 1st, 2018), and was therefore a candidate for classification through an automated scoring system. Utilizing variant allele frequency, disease prevalence and penetrance estimates, and inheritance mode, an automated score was calculated to assess if this variant is too frequent to cause the disease. Based on the score and internal cut-off values, a variant classified as likely benign is not then subjected to further curation. The score for this variant resulted in a classification of likely benign for this disease.